The following is an entry in ClinVar:

NM_000257.4(MYH7):c.5797A>C (p.Asn1933His)

Gene: MYH7 (myosin heavy chain 7; minus strand). Cytogenetic location: 14q11.2.
Variant type: single nucleotide variant.
Coding change: c.5797A>C on transcript NM_000257.4 (MANE Select); coding-DNA position 5797, A replaced by C.
Protein change: p.Asn1933His; replaces asparagine 1933 with histidine.
Molecular consequence: missense variant.
Genome position (GRCh38, 1-based): chr14:23,412,865, T>G on the plus strand (A>C on the coding strand, the complement: MYH7 is on the minus strand). VCF-style: chr14-23412865-T-G. GRCh37 (hg19) VCF-style: chr14-23882074-T-G.
Other names: c.5797A>C, p.Asn1933His (NM_001407004.1); short protein forms N1933H.
Identifiers: ClinVar variation 2735462 (VCV002735462.3), dbSNP rs2502229653, ClinGen allele CA389033404.
Genomic context (GRCh38, chr14:23,412,865, plus strand): 5'-GGGGCTTTGCTGGCACCTCCAGGGCTGAGCAGATCAAGATGTGGCAAAGCTACTCCTCAT[T>G]CAAGCCCTTTTGAAAGGAAACAAAGTCCAATCAGTCCTTGGAGAGATGGTATTGGGCAGG-3'
Protein context (NP_000248.2, residues 1923-1935): KSRDIGTKGL[Asn1933His]EE

ClinVar aggregate classification (germline): Uncertain significance (1 of 4 stars; one submission).

Conditions:
Hypertrophic cardiomyopathy. Also called: HYPERTROPHIC MYOCARDIOPATHY. Identifiers: Orphanet 217569, MedGen C0007194, MeSH D002312, MONDO:0005045, HP:0001639.

Submission:

Labcorp Genetics (formerly Invitae), Labcorp
Classification: Uncertain significance for Hypertrophic cardiomyopathy. Last evaluated: 2023-07-03. Review status: criteria provided, single submitter. Criteria: Invitae Variant Classification Sherloc (09022015). Collection method: clinical testing. Allele origin: germline.
Comment: In summary, the available evidence is currently insufficient to determine the role of this variant in disease. Therefore, it has been classified as a Variant of Uncertain Significance. Advanced modeling of protein sequence and biophysical properties (such as structural, functional, and spatial information, amino acid conservation, physicochemical variation, residue mobility, and thermodynamic stability) performed at Invitae indicates that this missense variant is not expected to disrupt MYH7 protein function. This variant has not been reported in the literature in individuals affected with MYH7-related conditions. This variant is not present in population databases (gnomAD no frequency). This sequence change replaces asparagine, which is neutral and polar, with histidine, which is basic and polar, at codon 1933 of the MYH7 protein (p.Asn1933His).